The following is an entry in ClinVar:

NM_014363.6(SACS):c.11039del (p.Ile3680fs)

Gene: SACS (sacsin molecular chaperone; minus strand). Cytogenetic location: 13q12.12.
Variant type: Deletion.
Coding change: c.11039del on transcript NM_014363.6 (MANE Select); coding-DNA position 11039, one base deleted (T; older notation c.11039delT).
Protein change: p.Ile3680fs; shifts the reading frame from isoleucine 3680.
Molecular consequence: frameshift variant.
Genome position (GRCh38, 1-based): chr13:23,332,837, A deleted on the plus strand (T on the coding strand, the reverse complement: SACS is on the minus strand). VCF-style (leftmost placement, unchanged base first): chr13-23332836-TA-T. GRCh37 (hg19) VCF-style: chr13-23906975-TA-T.
Other names: c.10598del, p.Ile3533fs (NM_001278055.2); c.11066del, p.Ile3689fs (NM_001437336.1); short protein forms I3533fs, I3680fs, I3689fs.
Identifiers: ClinVar variation 4815671 (VCV004815671.1).

ClinVar aggregate classification (germline): Likely pathogenic (1 of 4 stars; one submission).

Conditions:
Charlevoix-Saguenay spastic ataxia (SACS). Also called: AUTOSOMAL RECESSIVE SPASTIC ATAXIA OF CHARLEVOIX-SAGUENAY; Spastic ataxia of Charlevoix-Saguenay; SPASTIC ATAXIA 6, AUTOSOMAL RECESSIVE. Identifiers: Orphanet 98, MedGen C1849140, MONDO:0010041, OMIM 270550.

Submission:

Natera, Inc.
Classification: Likely pathogenic for Charlevoix-Saguenay type spastic ataxia. Last evaluated: 2024-09-04. Review status: criteria provided, single submitter. Criteria: Natera Variant Classification Schema (03/2026). Collection method: clinical testing. Allele origin: germline.
Comment: The c.11039del variant in SACS is a frameshift variant predicted to shift the reading frame beginning at codon 3680 and leads to a stop codon 8 codons downstream. This variant is expected to result in nonsense mediated decay, truncation, or a dysfunctional protein product. This variant is rare in the general population with a frequency below the threshold expected for the associated phenotype(s). Given the available evidence, this variant is classified as Likely Pathogenic.